The following is an entry in ClinVar:

NM_001010874.5(TECRL):c.1078C>G (p.Pro360Ala)

Gene: TECRL (trans-2,3-enoyl-CoA reductase like; minus strand). Cytogenetic location: 4q13.1.
Variant type: single nucleotide variant.
Coding change: c.1078C>G on transcript NM_001010874.5 (MANE Select); coding-DNA position 1078, C replaced by G.
Protein change: p.Pro360Ala; replaces proline 360 with alanine.
Molecular consequence: missense variant. On other transcripts: intron variant (1).
Genome position (GRCh38, 1-based): chr4:64,280,086, G>C on the plus strand (C>G on the coding strand, the complement: TECRL is on the minus strand). VCF-style: chr4-64280086-G-C. GRCh37 (hg19) VCF-style: chr4-65145804-G-C.
Other names: c.964+955C>G (NM_001363796.1); short protein forms P360A.
Identifiers: ClinVar variation 4182159 (VCV004182159.1).

ClinVar aggregate classification (germline): Uncertain significance (1 of 4 stars; one submission).

Conditions:
Cardiovascular phenotype. Identifiers: MedGen CN230736.

Submission:

Ambry Genetics
Classification: Uncertain significance for Cardiovascular phenotype. Last evaluated: 2025-08-31. Review status: criteria provided, single submitter. Criteria: Ambry Variant Classification Scheme 2023. Collection method: clinical testing. Allele origin: germline.
Comment: The p.P360A variant (also known as c.1078C>G), located in coding exon 12 of the TECRL gene, results from a C to G substitution at nucleotide position 1078. The proline at codon 360 is replaced by alanine, an amino acid with highly similar properties. This amino acid position is conserved. In addition, the in silico prediction for this alteration is inconclusive. Based on the available evidence, the clinical significance of this variant remains unclear.